The following is an entry in ClinVar:

ClinVar aggregate classification (germline): Benign/Likely benign. Review status: criteria provided, multiple submitters, no conflicts (2 of 4 stars). 3 submissions from 3 submitters: Benign (2); Likely benign (1). Last evaluated 2026-06-05.

Conditions:
IGBP1-related disorder. Also called: IGBP1-related condition.

Allele frequency attached by ClinVar (database versions not stated): gnomAD exomes 0.00043 and 0.00130; ExAC 0.00175; gnomAD 0.00428 and 0.00457; 1000 Genomes Project 0.00477; TOPMed 0.00506; ESP Exome Variant Server 0.00530; 1000 Genomes Project 30x 0.00562.
gnomAD v4.1: 974 of 1,210,259 alleles (0.08%); highest among the groups gnomAD compares: African/African-American, 1.5%; 4 homozygotes.

Submissions (3):

PreventionGenetics, part of Exact Sciences
Classification: Benign for IGBP1-related condition. Last evaluated: 2026-06-05. Review status: criteria provided, single submitter. Criteria: ACMG Guidelines, 2015. Collection method: clinical testing. Allele origin: germline.
Comment: This variant is classified as benign based on ACMG/AMP sequence variant interpretation guidelines (Richards et al. 2015 PMID: 25741868, with internal and published modifications).

Blueprint Genetics
Classification: Likely benign. Last evaluated: 2024-09-20. Review status: criteria provided, single submitter. Criteria: ACMG Guidelines, 2015. Collection method: clinical testing. Allele origin: germline.

Labcorp Genetics (formerly Invitae), Labcorp
Classification: Benign. Last evaluated: 2019-12-31. Review status: criteria provided, single submitter. Criteria: Invitae Variant Classification Sherloc (09022015). Collection method: clinical testing. Allele origin: germline.

NM_001551.3(IGBP1):c.99C>T (p.Ala33=)

Genes: IGBP1 (immunoglobulin binding protein 1; plus strand), LOC130068396 (ATAC-STARR-seq lymphoblastoid active region 29728; plus strand). Cytogenetic location: Xq13.1.
Variant type: single nucleotide variant.
Coding change: c.99C>T on transcript NM_001551.3 (MANE Select); coding-DNA position 99, C replaced by T.
Protein change: p.Ala33=; no amino-acid change (alanine 33 retained).
Molecular consequence: synonymous variant.
Genome position (GRCh38, 1-based): chrX:70,134,046, C>T. VCF-style: chrX-70134046-C-T. GRCh37 (hg19) VCF-style: chrX-69353896-C-T.
Other names: c.99C>T, p.Ala33= (NM_001370192.1, NM_001370193.1, NM_001370194.1).
Identifiers: ClinVar variation 785703 (VCV000785703.6), dbSNP rs146978115, ClinGen allele CA10439428.
Genomic context (GRCh38, chrX:70,134,046, plus strand): 5'-CGAGCTGTTCGAAACTGGTAGACAGTTACTGGACGAAGTAGAAGTGGCGACTGAACCCGC[C>T]GGTTCCCGGATAGTCCAGGAGAAGGTGTTCAAGGGCTTGGACCTCCTTGAGAAGGCTGCC-3'
Protein context (NP_001542.1, residues 23-43): LDEVEVATEP[Ala33=]GSRIVQEKVF